The following is an entry in ClinVar:

ClinVar aggregate classification (germline): Pathogenic (1 of 4 stars; one submission).

Conditions:
Female infertility due to zona pellucida defect (OZEMA1). Also called: Oocyte maturation defect 1; OOCYTE/ZYGOTE/EMBRYO MATURATION ARREST 1. Identifiers: Orphanet 404466, MedGen C4014291, MONDO:0014342, OMIM 615774.

Submission:

Juno Genomics, Hangzhou Juno Genomics, Inc
Classification: Pathogenic for Female infertility due to zona pellucida defect. Review status: criteria provided, single submitter. Criteria: ACMG Guidelines, 2015. Collection method: clinical testing. Allele origin: germline. Affected: yes.
Comment: Null variant in a gene where loss of function (LOF) is a known mechanism of disease.;Absent from controls (or at extremely low frequency if recessive) in Genome Aggregation Database, Exome Sequencing Project, 1000 Genomes Project, or Exome Aggregation Consortium.;Patient's phenotype or family history is highly specific for a disease with a single genetic etiology.;For recessive disorders, detected in trans with a pathogenic variant.

NM_207341.4(ZP1):c.1602C>A (p.Cys534Ter)

Gene: ZP1 (zona pellucida glycoprotein 1; plus strand). Cytogenetic location: 11q12.2.
Variant type: single nucleotide variant.
Coding change: c.1602C>A on transcript NM_207341.4 (MANE Select); coding-DNA position 1602, C replaced by A.
Protein change: p.Cys534Ter; replaces cysteine 534 with a stop codon.
Molecular consequence: nonsense.
Genome position (GRCh38, 1-based): chr11:60,874,962, C>A. VCF-style: chr11-60874962-C-A. GRCh37 (hg19) VCF-style: chr11-60642435-C-A.
Other names: c.723C>A, p.Cys241Ter (NM_001391943.1); c.408C>A, p.Cys136Ter (NM_001391944.1); short protein forms C136*, C241*, C534*.
Identifiers: ClinVar variation 3383023 (VCV003383023.2).
Genomic context (GRCh38, chr11:60,874,962, plus strand): 5'-AGCCACTTTGATGTTCTTCTCCTTCCACCAGGTTTACTTGTTCTGCAGCACCTCTGCCTG[C>A]CACACCTCAGGGCTGGAGACTTGCTCCACTGCATGTAGCACTGGCACTACAAGTGAGTCT-3'